The following is an entry in ClinVar:

ClinVar aggregate classification (germline): Uncertain significance (1 of 4 stars; one submission).

Conditions:
Alkuraya-Kucinskas syndrome. Identifiers: Orphanet 610569, MedGen C4693347, MONDO:0060631, OMIM 617822.

Submission:

Baylor Genetics
Classification: Uncertain significance for Alkuraya-Kucinskas syndrome. Last evaluated: 2018-04-10. Review status: criteria provided, single submitter. Criteria: ACMG Guidelines, 2015. Collection method: clinical testing. Allele origin: maternal. Affected: yes.
Comment: This variant was determined to be of uncertain significance according to ACMG Guidelines, 2015 [PMID:25741868].

NM_001384125.1(BLTP1):c.13909C>G (p.His4637Asp)

Gene: BLTP1 (bridge-like lipid transfer protein family member 1; plus strand). Cytogenetic location: 4q27.
Variant type: single nucleotide variant.
Coding change: c.13909C>G on transcript NM_001384125.1 (MANE Select); coding-DNA position 13909, C replaced by G.
Protein change: p.His4637Asp; replaces histidine 4637 with aspartic acid.
Molecular consequence: missense variant.
Genome position (GRCh38, 1-based): chr4:122,349,870, C>G. VCF-style: chr4-122349870-C-G. GRCh37 (hg19) VCF-style: chr4-123271025-C-G.
Other names: c.13645C>G, p.His4549Asp (NM_015312.4); short protein forms H4637D, H4549D.
Identifiers: ClinVar variation 1033762 (VCV001033762.1), dbSNP rs1791016751, ClinGen allele CA358093866.